The following is an entry in ClinVar:

ClinVar aggregate classification (germline): Benign/Likely benign. Review status: criteria provided, multiple submitters, no conflicts (2 of 4 stars). 6 submissions from 6 submitters: Benign (1); Likely benign (5). Last evaluated 2026-02-02.

Conditions:
Hereditary cancer-predisposing syndrome. Also called: Hereditary neoplastic syndrome; Tumor predisposition; Neoplastic Syndromes, Hereditary; Hereditary Cancer Syndrome. Identifiers: Orphanet 140162, MedGen C0027672, MeSH D009386, MONDO:0015356.
Familial thoracic aortic aneurysm and aortic dissection (TAAD). Also called: Thoracic aortic aneurysms and dissections. Identifiers: Orphanet 91387, MedGen C4707243, MONDO:0019625.
Juvenile polyposis syndrome (JPS). Identifiers: Orphanet 2929, MedGen C0345893, MONDO:0017380, OMIM 174900.
Juvenile polyposis/hereditary hemorrhagic telangiectasia syndrome (JPHT). Also called: Juvenile Polyposis Syndrome / Hereditary Hemorrhagic Telangiectasia (JPS/HHT); JP/HHT SYNDROME; JUVENILE POLYPOSIS WITH HEREDITARY HEMORRHAGIC TELANGIECTASIA; POLYPOSIS, GENERALIZED JUVENILE, WITH PULMONARY ARTERIOVENOUS MALFORMATION; TELANGIECTASIA, HEREDITARY HEMORRHAGIC, WITH JUVENILE POLYPOSIS COLI. Identifiers: Orphanet 2929, MedGen C1832942, MONDO:0008278, OMIM 175050.

Allele frequency attached by ClinVar (database versions not stated): ExAC 0.00001; TOPMed 0.00001.
gnomAD v4.1: 4 of 1,614,048 alleles (0.00025%); highest among the groups gnomAD compares: Non-Finnish European, 0.00034%; no homozygotes.

Submissions (6):

Labcorp Genetics (formerly Invitae), Labcorp
Classification: Likely benign for Juvenile polyposis syndrome. Last evaluated: 2026-02-02. Review status: criteria provided, single submitter. Criteria: Invitae Variant Classification Sherloc (09022015). Collection method: clinical testing. Allele origin: germline.

Myriad Genetics, Inc.
Classification: Benign for Juvenile polyposis/hereditary hemorrhagic telangiectasia syndrome. Last evaluated: 2025-03-19. Review status: criteria provided, single submitter. Criteria: Myriad Autosomal Dominant, Autosomal Recessive and X-Linked Classification Criteria (2023). Collection method: clinical testing. Allele origin: unknown.
Comment: This variant is considered benign. This variant is a silent/synonymous amino acid change and it is not expected to impact splicing.

GeneDx
Classification: Likely benign. Last evaluated: 2020-10-19. Review status: criteria provided, single submitter. Criteria: GeneDx Variant Classification Process June 2021. Collection method: clinical testing. Allele origin: germline. Affected: yes.

Quest Diagnostics Nichols Institute San Juan Capistrano
Classification: Likely benign. Last evaluated: 2017-09-22. Review status: criteria provided, single submitter. Criteria: Quest Diagnostics criteria. Collection method: clinical testing. Allele origin: germline.

Color Diagnostics, LLC DBA Color Health
Classification: Likely benign for Hereditary cancer-predisposing syndrome. Last evaluated: 2017-09-16. Review status: criteria provided, single submitter. Criteria: ACMG Guidelines, 2015. Collection method: clinical testing. Allele origin: germline.

Ambry Genetics
Classification: Likely benign for Hereditary cancer-predisposing syndrome; Familial thoracic aortic aneurysm and aortic dissection. Last evaluated: 2017-05-30. Review status: criteria provided, single submitter. Criteria: Ambry Variant Classification Scheme 2023. Collection method: clinical testing. Allele origin: germline.

NM_005359.6(SMAD4):c.573G>A (p.Ser191=)

Gene: SMAD4 (SMAD family member 4; plus strand). Cytogenetic location: 18q21.2.
Variant type: single nucleotide variant.
Coding change: c.573G>A on transcript NM_005359.6 (MANE Select); coding-DNA position 573, G replaced by A.
Protein change: p.Ser191=; no amino-acid change (serine 191 retained).
Molecular consequence: synonymous variant.
Genome position (GRCh38, 1-based): chr18:51,054,899, G>A. VCF-style: chr18-51054899-G-A. GRCh37 (hg19) VCF-style: chr18-48581269-G-A.
Identifiers: ClinVar variation 484824 (VCV000484824.22), dbSNP rs761936246, ClinGen allele CA8965833.
Genomic context (GRCh38, chr18:51,054,899, plus strand): 5'-GTTGTCCACTGAAGGACATTCAATTCAAACCATCCAGCATCCACCAAGTAATCGTGCATC[G>A]ACAGAGACATACAGCACCCCAGCTCTGTTAGCCCCATCTGAGTCTAATGCTACCAGCACT-3'
Protein context (NP_005350.1, residues 181-201): TIQHPPSNRA[Ser191=]TETYSTPALL